The following is an entry in ClinVar:

Conditions:
Breast-ovarian cancer, familial, susceptibility to, 1 (BROVCA1). Also called: BRCA1 Hereditary Breast and Ovarian Cancer; OVARIAN CANCER, SUSCEPTIBILITY TO. Identifiers: Orphanet 145, MedGen C2676676, MONDO:0011450, OMIM 604370. Disease mechanism: loss of function.

Submission:

Brotman Baty Institute, University of Washington
No classification provided (evidence only). Condition: Breast-ovarian cancer, familial 1. Review status: no classification provided. Collection method: in vitro. Allele origin: not applicable. Functional consequence: function_uncertain_variant.
ClinVar note: "not provided" was previously submitted as the classification for the variant. However, the classification appeared to be based only on an observation of functional data so it was converted to no classification on 2025-07-30.

NM_007294.4(BRCA1):c.5075A>G (p.Asp1692Gly)

Gene: BRCA1 (BRCA1 DNA repair associated; minus strand). Cytogenetic location: 17q21.31.
Variant type: single nucleotide variant.
Coding change: c.5075A>G on transcript NM_007294.4 (MANE Select); coding-DNA position 5075, A replaced by G.
Protein change: p.Asp1692Gly; replaces aspartic acid 1692 with glycine.
Molecular consequence: missense variant. On other transcripts: non-coding transcript variant (1).
Genome position (GRCh38, 1-based): chr17:43,063,951, T>C on the plus strand (A>G on the coding strand, the complement: BRCA1 is on the minus strand). VCF-style: chr17-43063951-T-C. GRCh37 (hg19) VCF-style: chr17-41215968-T-C.
Other names: c.4862A>G, p.Asp1621Gly (NM_001407571.1, NM_001407894.1, NM_001407895.1 and 12 more transcripts); c.5141A>G, p.Asp1714Gly (NM_001407581.1, NM_001407582.1); c.5138A>G, p.Asp1713Gly (NM_001407583.1, NM_001407585.1, NM_001407587.1 and 1 more transcripts); c.5135A>G, p.Asp1712Gly (NM_001407590.1, NM_001407591.1); c.5075A>G, p.Asp1692Gly (NM_001407593.1, NM_001407594.1, NM_001407596.1 and 7 more transcripts); c.5072A>G, p.Asp1691Gly (NM_001407618.1, NM_001407619.1, NM_001407620.1 and 17 more transcripts); c.5069A>G, p.Asp1690Gly (NM_001407637.1, NM_001407638.1, NM_001407639.1 and 14 more transcripts); c.5066A>G, p.Asp1689Gly (NM_001407644.1, NM_001407645.1); and 71 more; short protein forms D1692G, D588G, D1713G, D1645G, D1396G, D1538G, D1581G, D1620G.
Identifiers: ClinVar variation 869003 (VCV000869003.3), dbSNP rs397509222, ClinGen allele CA10591373.